The following is an entry in ClinVar:

ClinVar aggregate classification (germline): Pathogenic (0 of 4 stars; one submission).

Conditions:
RASA1-related disorder. Also called: RASA1-related condition.

Submission:

PreventionGenetics, part of Exact Sciences
Classification: Pathogenic for RASA1-related condition. Last evaluated: 2023-12-01. Review status: no assertion criteria provided. Collection method: clinical testing. Allele origin: germline.
Comment: The RASA1 c.577dupG variant is predicted to result in a frameshift and premature protein termination (p.Glu193Glyfs*18). To our knowledge, this variant has not been reported in the literature or in a large population database, indicating this variant is rare. Frameshift variants in RASA1 are expected to be pathogenic. This variant is interpreted as pathogenic.

NM_002890.3(RASA1):c.577dup (p.Glu193fs)

Genes: CCNH (cyclin H; minus strand), RASA1 (RAS p21 protein activator 1; plus strand). Cytogenetic location: 5q14.3.
Variant type: Duplication.
Coding change: c.577dup on transcript NM_002890.3 (MANE Select); coding-DNA position 577, one base duplicated (G; older notation c.577dupG).
Protein change: p.Glu193fs; shifts the reading frame from glutamic acid 193.
Molecular consequence: frameshift variant. On other transcripts: intron variant (1).
Genome position (GRCh38, 1-based): chr5:87,331,385, G duplicated. VCF-style (leftmost placement, unchanged base first): chr5-87331384-A-AG. GRCh37 (hg19) VCF-style: chr5-86627201-A-AG.
Other names: c.46dup, p.Glu16fs (NM_022650.3); c.934-18590dup (NM_001364075.2); short protein forms E16fs, E193fs.
Identifiers: ClinVar variation 2630783 (VCV002630783.3), dbSNP rs2531187229, ClinGen allele CA2695198700.